The following is an entry in ClinVar:

ClinVar aggregate classification (germline): Uncertain significance. Review status: criteria provided, multiple submitters, no conflicts (2 of 4 stars). 2 submissions from 2 submitters: Uncertain significance (2). Last evaluated 2025-04-23.

Conditions:
DICER1-related tumor predisposition. Also called: DICER1-related pleuropulmonary blastoma cancer predisposition syndrome; DICER1 syndrome. Identifiers: Orphanet 284343, MedGen C3839822, MONDO:0100216.
Hereditary cancer-predisposing syndrome. Also called: Hereditary Cancer Syndrome; Neoplastic Syndromes, Hereditary; Hereditary neoplastic syndrome; Tumor predisposition. Identifiers: Orphanet 140162, MedGen C0027672, MeSH D009386, MONDO:0015356.

Allele frequency attached by ClinVar (database versions not stated): gnomAD exomes 0.00001.
gnomAD v4.1: 8 of 1,614,030 alleles (0.0005%); highest among the groups gnomAD compares: Non-Finnish European, 0.00068%; no homozygotes.

Submissions (2):

Labcorp Genetics (formerly Invitae), Labcorp
Classification: Uncertain significance for DICER1-related tumor predisposition. Last evaluated: 2025-04-23. Review status: criteria provided, single submitter. Criteria: Invitae Variant Classification Sherloc (09022015). Collection method: clinical testing. Allele origin: germline.
Comment: This sequence change replaces asparagine, which is neutral and polar, with aspartic acid, which is acidic and polar, at codon 59 of the DICER1 protein (p.Asn59Asp). This variant is present in population databases (no rsID available, gnomAD 0.002%). This variant has not been reported in the literature in individuals affected with DICER1-related conditions. ClinVar contains an entry for this variant (Variation ID: 819997). Invitae Evidence Modeling of protein sequence and biophysical properties (such as structural, functional, and spatial information, amino acid conservation, physicochemical variation, residue mobility, and thermodynamic stability) indicates that this missense variant is not expected to disrupt DICER1 protein function with a negative predictive value of 95%. In summary, the available evidence is currently insufficient to determine the role of this variant in disease. Therefore, it has been classified as a Variant of Uncertain Significance.

Ambry Genetics
Classification: Uncertain significance for Hereditary cancer-predisposing syndrome. Last evaluated: 2019-03-07. Review status: criteria provided, single submitter. Criteria: Ambry Variant Classification Scheme 2023. Collection method: clinical testing. Allele origin: germline.
Comment: The p.N59D variant (also known as c.175A>G), located in coding exon 2 of the DICER1 gene, results from an A to G substitution at nucleotide position 175. The asparagine at codon 59 is replaced by aspartic acid, an amino acid with highly similar properties. This amino acid position is highly conserved in available vertebrate species. In addition, the in silico prediction for this alteration is inconclusive. Since supporting evidence is limited at this time, the clinical significance of this alteration remains unclear.

NM_177438.3(DICER1):c.175A>G (p.Asn59Asp)

Gene: DICER1 (dicer 1, ribonuclease III; minus strand). Cytogenetic location: 14q32.13.
Variant type: single nucleotide variant.
Coding change: c.175A>G on transcript NM_177438.3 (MANE Select); coding-DNA position 175, A replaced by G.
Protein change: p.Asn59Asp; replaces asparagine 59 with aspartic acid.
Molecular consequence: missense variant.
Genome position (GRCh38, 1-based): chr14:95,132,647, T>C on the plus strand (A>G on the coding strand, the complement: DICER1 is on the minus strand). VCF-style: chr14-95132647-T-C. GRCh37 (hg19) VCF-style: chr14-95598984-T-C.
Other names: c.175A>G, p.Asn59Asp (NM_001195573.1, NM_001271282.3, NM_001291628.2 and 1 more transcripts); short protein forms N59D.
Identifiers: ClinVar variation 819997 (VCV000819997.11), dbSNP rs1368593353, ClinGen allele CA390890067.